The following is an entry in ClinVar:

ClinVar aggregate classification (germline): Uncertain significance (1 of 4 stars; one submission).

Conditions:
Hereditary spastic paraplegia 11. Also called: Spastic paraplegia, mental retardation and thin corpus callosum; Spastic Paraplegia 11; Nakamura Osame syndrome; Autosomal recessive hereditary spastic paraplegia, mental impairment, and thin corpus callosum; SPASTIC PARAPLEGIA, AUTOSOMAL RECESSIVE, COMPLICATED, WITH THIN CORPUS CALLOSUM; SPASTIC PARAPLEGIA, AUTOSOMAL RECESSIVE, WITH MENTAL IMPAIRMENT AND THIN CORPUS CALLOSUM. Identifiers: Orphanet 2822, MedGen C1858479, MONDO:0011445, OMIM 604360.

Allele frequency attached by ClinVar (database versions not stated): TOPMed below 0.00001.

Submission:

Labcorp Genetics (formerly Invitae), Labcorp
Classification: Uncertain significance for Hereditary spastic paraplegia 11. Last evaluated: 2021-07-22. Review status: criteria provided, single submitter. Criteria: Invitae Variant Classification Sherloc (09022015). Collection method: clinical testing. Allele origin: germline.
Comment: In summary, the available evidence is currently insufficient to determine the role of this variant in disease. Therefore, it has been classified as a Variant of Uncertain Significance. Algorithms developed to predict the effect of missense changes on protein structure and function are either unavailable or do not agree on the potential impact of this missense change (SIFT: "Deleterious"; PolyPhen-2: "Probably Damaging"; Align-GVGD: "Class C0"). This variant has not been reported in the literature in individuals affected with SPG11-related conditions. This variant is not present in population databases (ExAC no frequency). This sequence change replaces serine with phenylalanine at codon 150 of the SPG11 protein (p.Ser150Phe). The serine residue is moderately conserved and there is a large physicochemical difference between serine and phenylalanine.

NM_025137.4(SPG11):c.449C>T (p.Ser150Phe)

Gene: SPG11 (SPG11 vesicle trafficking associated, spatacsin; minus strand). Cytogenetic location: 15q21.1.
Variant type: single nucleotide variant.
Coding change: c.449C>T on transcript NM_025137.4 (MANE Select); coding-DNA position 449, C replaced by T.
Protein change: p.Ser150Phe; replaces serine 150 with phenylalanine.
Molecular consequence: missense variant.
Genome position (GRCh38, 1-based): chr15:44,659,297, G>A on the plus strand (C>T on the coding strand, the complement: SPG11 is on the minus strand). VCF-style: chr15-44659297-G-A. GRCh37 (hg19) VCF-style: chr15-44951495-G-A.
Other names: c.449C>T, p.Ser150Phe (NM_001160227.2); short protein forms S150F.
Identifiers: ClinVar variation 1369193 (VCV001369193.6), dbSNP rs2085034168, ClinGen allele CA392238031.